The following is an entry in ClinVar:

NM_000350.3(ABCA4):c.3051-16T>A

Gene: ABCA4 (ATP binding cassette subfamily A member 4; minus strand). Cytogenetic location: 1p22.1.
Variant type: single nucleotide variant.
Coding change: c.3051-16T>A on transcript NM_000350.3 (MANE Select); 16 bases into the intron before coding-DNA position 3051, T replaced by A.
Molecular consequence: intron variant.
Genome position (GRCh38, 1-based): chr1:94,043,491, A>T on the plus strand (T>A on the coding strand, the complement: ABCA4 is on the minus strand). VCF-style: chr1-94043491-A-T. GRCh37 (hg19) VCF-style: chr1-94509047-A-T.
Identifiers: ClinVar variation 417986 (VCV000417986.5), dbSNP rs1064793009, ClinGen allele CA16617208.

ClinVar aggregate classification (germline): Conflicting classifications of pathogenicity. Review status: criteria provided, conflicting classifications (1 of 4 stars). 3 submissions from 3 submitters: Likely pathogenic (1); Uncertain significance (2). Last evaluated 2024-02-16.

Submissions (3):

Labcorp Genetics (formerly Invitae), Labcorp
Classification: Uncertain significance. Last evaluated: 2024-02-16. Review status: criteria provided, single submitter. Criteria: Invitae Variant Classification Sherloc (09022015). Collection method: clinical testing. Allele origin: germline.
Comment: This sequence change falls in intron 20 of the ABCA4 gene. It does not directly change the encoded amino acid sequence of the ABCA4 protein. This variant is not present in population databases (gnomAD no frequency). This variant has been observed in individual(s) with Stargardt disease (Invitae). ClinVar contains an entry for this variant (Variation ID: 417986). Algorithms developed to predict the effect of sequence changes on RNA splicing suggest that this variant may disrupt the consensus splice site. In summary, the available evidence is currently insufficient to determine the role of this variant in disease. Therefore, it has been classified as a Variant of Uncertain Significance.

Blueprint Genetics
Classification: Uncertain significance. Last evaluated: 2023-06-19. Review status: criteria provided, single submitter. Criteria: ACMG Guidelines, 2015. Collection method: clinical testing. Allele origin: germline.

GeneDx
Classification: Likely pathogenic. Last evaluated: 2013-03-07. Review status: criteria provided, single submitter. Criteria: GeneDx Variant Classification (06012015). Collection method: clinical testing. Allele origin: germline. Affected: yes.
Comment: The c.3051-16 T>A variant in the ABCA4 gene has not been reported as a pathogenic variant or as a benign polymorphism to our knowledge. The c.3051-16 T>A variant was not observed in approximately 6,200 individuals of European and African American ancestry in an external variant database, indicating it is not a common benign variant in these populations. Splice prediction algorithms indicate that the c.3051-16 T>A variant will either destroy the splice acceptor site or create a cryptic splice site that may weaker than the natural splice acceptor site. Therefore, the c.3051-16 T>A variant is a candidate for a pathogenic variant, although the possibility that it is a benign variant cannot be completely excluded.